The following is an entry in ClinVar:

ClinVar aggregate classification (germline): Uncertain significance (0 of 4 stars; one submission).

Conditions:
TBK1-related disorder. Also called: TBK1-related condition.

gnomAD v4.1: 2 of 1,591,804 alleles (0.00013%); highest among the groups gnomAD compares: Non-Finnish European, 0.00017%; no homozygotes.

Submission:

PreventionGenetics, part of Exact Sciences
Classification: Uncertain significance for TBK1-related condition. Last evaluated: 2024-08-06. Review status: no assertion criteria provided. Collection method: clinical testing. Allele origin: germline.
Comment: The TBK1 c.826C>T variant is not predicted to result in an amino acid change (p.=). This variant is predicted to impact splicing at the splice acceptor site; however, this is based on computational modeling and has not been functionally validated (SpliceAI, Jaganathan et al. 2019. PubMed ID: 30661751). To our knowledge, this variant has not been reported in the literature or in a large population database, indicating this variant is rare. At this time, the clinical significance of this variant is uncertain due to the absence of conclusive functional and genetic evidence.

NM_013254.4(TBK1):c.826C>T (p.Leu276=)

Gene: TBK1 (TANK binding kinase 1; plus strand). Cytogenetic location: 12q14.2.
Variant type: single nucleotide variant.
Coding change: c.826C>T on transcript NM_013254.4 (MANE Select); coding-DNA position 826, C replaced by T.
Protein change: p.Leu276=; no amino-acid change (leucine 276 retained).
Molecular consequence: synonymous variant.
Genome position (GRCh38, 1-based): chr12:64,481,855, C>T. VCF-style: chr12-64481855-C-T. GRCh37 (hg19) VCF-style: chr12-64875635-C-T.
Identifiers: ClinVar variation 3346391 (VCV003346391.1).